The following is an entry in ClinVar:

NM_001001557.4(GDF6):c.996GCG[4] (p.Arg335dup)

Gene: GDF6 (growth differentiation factor 6; minus strand). Cytogenetic location: 8q22.1.
Variant type: Microsatellite.
Coding change: c.996GCG[4] on transcript NM_001001557.4 (MANE Select); four copies in a row of the 3-base unit GCG starting at c.996; the reference has three copies in a row; one copy, 3 bases duplicated.
Protein change: p.Arg335dup; duplicates arginine 335.
Molecular consequence: inframe insertion.
Genome position (GRCh38, 1-based): chr8:96,144,927-96,144,929, CGC duplicated on the plus strand (GCG on the coding strand, the reverse complement: GDF6 is on the minus strand); duplicating any 3 consecutive bases within chr8:96,144,927-96,144,937 gives the same sequence; the position shown is the placement nearest the transcript's 3' end. VCF-style (leftmost placement, unchanged base first): chr8-96144926-G-GCGC. GRCh37 (hg19) VCF-style: chr8-97157154-G-GCGC.
Identifiers: ClinVar variation 968900 (VCV000968900.10), dbSNP rs762461479, ClinGen allele CA4815382.

ClinVar aggregate classification (germline): Uncertain significance (1 of 4 stars; one submission).

Conditions:
Klippel-Feil syndrome 1, autosomal dominant (KFS1). Also called: CERVICAL VERTEBRAL FUSION, AUTOSOMAL DOMINANT. Identifiers: Orphanet 2345, MedGen C1861689, MONDO:0007306, OMIM 118100.
Isolated microphthalmia 4. Identifiers: Orphanet 2542, MedGen C2751307, MONDO:0013130, OMIM 613094.
Leber congenital amaurosis 17 (LCA17). Identifiers: Orphanet 65, MedGen C3715164, MONDO:0014145, OMIM 615360.
Microphthalmia, isolated, with coloboma 6 (MCOPCB6). Also called: Microphthalmia with coloboma 6, digenic; Microphthalmia with coloboma 6; MICROPHTHALMIA/COLOBOMA 6. Identifiers: Orphanet 98938, MedGen C3150968, MONDO:0013376, OMIM 613703.

Submission:

Labcorp Genetics (formerly Invitae), Labcorp
Classification: Uncertain significance for Isolated microphthalmia 4; Leber congenital amaurosis 17; Klippel-Feil syndrome 1, autosomal dominant; Microphthalmia, isolated, with coloboma 6. Last evaluated: 2022-12-23. Review status: criteria provided, single submitter. Criteria: Invitae Variant Classification Sherloc (09022015). Collection method: clinical testing. Allele origin: germline.
Comment: This variant, c.1002_1004dup, results in the insertion of 1 amino acid(s) of the GDF6 protein (p.Arg335dup), but otherwise preserves the integrity of the reading frame. In summary, the available evidence is currently insufficient to determine the role of this variant in disease. Therefore, it has been classified as a Variant of Uncertain Significance. Experimental studies and prediction algorithms are not available or were not evaluated, and the functional significance of this variant is currently unknown. ClinVar contains an entry for this variant (Variation ID: 968900). This variant has not been reported in the literature in individuals affected with GDF6-related conditions. This variant is not present in population databases (gnomAD no frequency).